The following is an entry in ClinVar:

ClinVar aggregate classification (germline): Pathogenic. Review status: criteria provided, multiple submitters, no conflicts (2 of 4 stars). 3 submissions from 3 submitters: Pathogenic (3). Last evaluated 2024-11-05.

Conditions:
Hereditary cancer-predisposing syndrome. Also called: Neoplastic Syndromes, Hereditary; Tumor predisposition; Hereditary neoplastic syndrome; Hereditary Cancer Syndrome. Identifiers: Orphanet 140162, MedGen C0027672, MeSH D009386, MONDO:0015356.
Familial adenomatous polyposis 4 (FAP4). Also called: MSH3-related attenuated familial adenomatous polyposis. Identifiers: Orphanet 480536, MedGen C4310719, MONDO:0044300, OMIM 617100.

Submissions (3):

Labcorp Genetics (formerly Invitae), Labcorp
Classification: Pathogenic. Last evaluated: 2024-11-05. Review status: criteria provided, single submitter. Criteria: Invitae Variant Classification Sherloc (09022015). Collection method: clinical testing. Allele origin: germline.
Comment: This sequence change creates a premature translational stop signal (p.Tyr465*) in the MSH3 gene. It is expected to result in an absent or disrupted protein product. Loss-of-function variants in MSH3 are known to be pathogenic (PMID: 27476653, 37402566). This variant is present in population databases (no rsID available, gnomAD 0.0009%). This variant has not been reported in the literature in individuals affected with MSH3-related conditions. ClinVar contains an entry for this variant (Variation ID: 2451057). For these reasons, this variant has been classified as Pathogenic.

Myriad Genetics, Inc.
Classification: Pathogenic for Familial adenomatous polyposis 4. Last evaluated: 2023-08-29. Review status: criteria provided, single submitter. Criteria: Myriad Autosomal Dominant, Autosomal Recessive and X-Linked Classification Criteria (2023). Collection method: clinical testing. Allele origin: unknown.
Comment: This variant is considered pathogenic. This variant creates a termination codon and is predicted to result in premature protein truncation.

Ambry Genetics
Classification: Pathogenic for Hereditary cancer-predisposing syndrome. Last evaluated: 2023-01-11. Review status: criteria provided, single submitter. Criteria: Ambry Variant Classification Scheme 2023. Collection method: clinical testing. Allele origin: germline.
Comment: The p.Y465* pathogenic mutation (also known as c.1395C>G), located in coding exon 9 of the MSH3 gene, results from a C to G substitution at nucleotide position 1395. This changes the amino acid from a tyrosine to a stop codon within coding exon 9. This variant is considered to be rare based on population cohorts in the Genome Aggregation Database (gnomAD). This alteration is expected to result in loss of function by premature protein truncation or nonsense-mediated mRNA decay. As such, this alteration is interpreted as a disease-causing mutation.

Literature cited by the submitters: PubMed 27476653 (cited by Labcorp Genetics (formerly Invitae), Labcorp); PubMed 37402566 (cited by Labcorp Genetics (formerly Invitae), Labcorp).

NM_002439.5(MSH3):c.1395C>G (p.Tyr465Ter)

Gene: MSH3 (mutS homolog 3; plus strand). Cytogenetic location: 5q14.1.
Variant type: single nucleotide variant.
Coding change: c.1395C>G on transcript NM_002439.5 (MANE Select); coding-DNA position 1395, C replaced by G.
Protein change: p.Tyr465Ter; replaces tyrosine 465 with a stop codon.
Molecular consequence: nonsense.
Genome position (GRCh38, 1-based): chr5:80,725,507, C>G. VCF-style: chr5-80725507-C-G. GRCh37 (hg19) VCF-style: chr5-80021326-C-G.
Other names: short protein forms Y465*.
Identifiers: ClinVar variation 2451057 (VCV002451057.6), dbSNP rs1419188316, ClinGen allele CA360273499.
Genomic context (GRCh38, chr5:80,725,507, plus strand): 5'-TTTCAGTGTGCAGGATGACAGAATTCGAGTCGAAAGGATGGATAACATTTATTTTGAATA[C>G]AGCCATGCTTTCCAGGCAGTTACAGAGTTTTATGCAAAAGATACAGTTGACATCAAAGGT-3'